The following is an entry in ClinVar:

NM_020964.3(EPG5):c.3778G>A (p.Val1260Met)

Gene: EPG5 (ectopic P-granules 5 autophagy tethering factor; minus strand). Cytogenetic location: 18q21.1.
Variant type: single nucleotide variant.
Coding change: c.3778G>A on transcript NM_020964.3 (MANE Select); coding-DNA position 3778, G replaced by A.
Protein change: p.Val1260Met; replaces valine 1260 with methionine.
Molecular consequence: missense variant.
Genome position (GRCh38, 1-based): chr18:45,913,744, C>T on the plus strand (G>A on the coding strand, the complement: EPG5 is on the minus strand). VCF-style: chr18-45913744-C-T. GRCh37 (hg19) VCF-style: chr18-43493709-C-T.
Other names: c.3778G>A, p.Val1260Met (NM_001410858.1, NM_001410859.1); c.3778G>A (NM_020964.2); short protein forms V1260M.
Identifiers: ClinVar variation 1984199 (VCV001984199.6), dbSNP rs2049965622, ClinGen allele CA402341192.

ClinVar aggregate classification (germline): Uncertain significance. Review status: criteria provided, multiple submitters, no conflicts (2 of 4 stars). 2 submissions from 2 submitters: Uncertain significance (2). Last evaluated 2024-07-05.

Conditions:
Inborn genetic diseases. Identifiers: MedGen C0950123, MeSH D030342.
Vici syndrome (VICIS). Identifiers: Orphanet 1493, MedGen C1855772, MONDO:0009452, OMIM 242840.

Allele frequency attached by ClinVar (database versions not stated): TOPMed below 0.00001.

Submissions (2):

Ambry Genetics
Classification: Uncertain significance for Inborn genetic diseases. Last evaluated: 2024-07-05. Review status: criteria provided, single submitter. Criteria: Ambry Variant Classification Scheme 2023. Collection method: clinical testing. Allele origin: germline.

Labcorp Genetics (formerly Invitae), Labcorp
Classification: Uncertain significance for Vici syndrome. Last evaluated: 2022-05-31. Review status: criteria provided, single submitter. Criteria: Invitae Variant Classification Sherloc (09022015). Collection method: clinical testing. Allele origin: germline.
Comment: This sequence change replaces valine, which is neutral and non-polar, with methionine, which is neutral and non-polar, at codon 1260 of the EPG5 protein (p.Val1260Met). This variant is not present in population databases (gnomAD no frequency). This variant has not been reported in the literature in individuals affected with EPG5-related conditions. Algorithms developed to predict the effect of missense changes on protein structure and function are either unavailable or do not agree on the potential impact of this missense change (SIFT: "Deleterious"; PolyPhen-2: "Probably Damaging"; Align-GVGD: "Class C0"). In summary, the available evidence is currently insufficient to determine the role of this variant in disease. Therefore, it has been classified as a Variant of Uncertain Significance.